The following is an entry in ClinVar:

NM_001023.4(RPS20):c.136_140del (p.Lys46fs)

Gene: RPS20 (ribosomal protein S20; minus strand). Cytogenetic location: 8q12.1.
Variant type: Microsatellite.
Coding change: c.136_140del on transcript NM_001023.4 (MANE Select); coding-DNA positions 136 to 140, 5 bases deleted (AAGAA; older notation c.136_140delAAGAA).
Protein change: p.Lys46fs; shifts the reading frame from lysine 46.
Molecular consequence: frameshift variant.
Genome position (GRCh38, 1-based): chr8:56,073,732-56,073,736, TTCTT deleted on the plus strand (AAGAA on the coding strand, the reverse complement: RPS20 is on the minus strand); deleting any 5 consecutive bases within chr8:56,073,732-56,073,743 gives the same sequence; the c. name uses the placement nearest the transcript's 3' end. VCF-style (leftmost placement, unchanged base first): chr8-56073731-ATTCTT-A. GRCh37 (hg19) VCF-style: chr8-56986290-ATTCTT-A.
Other names: c.136_140del, p.Lys46fs (NM_001146227.3); short protein forms K46fs.
Identifiers: ClinVar variation 3315292 (VCV003315292.2).

ClinVar aggregate classification (germline): Pathogenic (1 of 4 stars; one submission).

Submission:

Ambry Genetics
Classification: Pathogenic. Last evaluated: 2025-06-24. Review status: criteria provided, single submitter. Criteria: Ambry Variant Classification Scheme 2023. Collection method: clinical testing. Allele origin: germline.
Comment: The c.136_140delAAGAA pathogenic mutation, located in coding exon 3 of the RPS20 gene, results from a deletion of five nucleotides at nucleotide positions 136 to 140, causing a translational frameshift with a predicted alternate stop codon (p.K46SFS*25). This alteration occurs at the 3' terminus of the RPS20 gene, is not expected to trigger nonsense-mediated mRNA decay, and impacts the last 62% of the protein. However, premature stop codons are typically deleterious in nature and a significant portion of the protein is affected (Ambry internal data). This variant is considered to be rare based on population cohorts in the Genome Aggregation Database (gnomAD). Based on the supporting evidence, this variant is interpreted as a disease-causing mutation.